The following is an entry in ClinVar:

NM_172364.5(CACNA2D4):c.829C>T (p.Arg277Ter)

Gene: CACNA2D4 (calcium voltage-gated channel auxiliary subunit alpha2delta 4; minus strand). Cytogenetic location: 12p13.33.
Variant type: single nucleotide variant.
Coding change: c.829C>T on transcript NM_172364.5 (MANE Select); coding-DNA position 829, C replaced by T.
Protein change: p.Arg277Ter; replaces arginine 277 with a stop codon.
Molecular consequence: nonsense.
Genome position (GRCh38, 1-based): chr12:1,887,022, G>A on the plus strand (C>T on the coding strand, the complement: CACNA2D4 is on the minus strand). VCF-style: chr12-1887022-G-A. GRCh37 (hg19) VCF-style: chr12-1996188-G-A.
Other names: short protein forms R277*.
Identifiers: ClinVar variation 2878102 (VCV002878102.3), dbSNP rs762148651, ClinGen allele CA6387403.
Genomic context (GRCh38, chr12:1,887,022, plus strand): 5'-ATGAGATAAATACCCGGGCCGCAAACCTTTCCCCTGTGAGCTCTTACCAGCCGCGGTTTC[G>A]GCAGTCAAAAGTAATGACTCCATTCTCATCAGGTGTCCATTTTATACCTGGGAGAATAAA-3'

ClinVar aggregate classification (germline): Uncertain significance (1 of 4 stars; one submission).

Allele frequency attached by ClinVar (database versions not stated): ExAC 0.00002.

Submission:

Labcorp Genetics (formerly Invitae), Labcorp
Classification: Uncertain significance. Last evaluated: 2023-02-04. Review status: criteria provided, single submitter. Criteria: Invitae Variant Classification Sherloc (09022015). Collection method: clinical testing. Allele origin: germline.
Comment: This sequence change creates a premature translational stop signal (p.Arg277*) in the CACNA2D4 gene. It is expected to result in an absent or disrupted protein product. However, the current clinical and genetic evidence is not sufficient to establish whether loss-of-function variants in CACNA2D4 cause disease. The frequency data for this variant in the population databases is considered unreliable, as metrics indicate poor data quality at this position in the gnomAD database. This variant has not been reported in the literature in individuals affected with CACNA2D4-related conditions. In summary, the available evidence is currently insufficient to determine the role of this variant in disease. Therefore, it has been classified as a Variant of Uncertain Significance.